The following is an entry in ClinVar:

NM_001369.3(DNAH5):c.4553A>G (p.Asn1518Ser)

Genes: DNAH5-AS1 (DNAH5 antisense RNA 1; plus strand), DNAH5 (dynein axonemal heavy chain 5; minus strand). Cytogenetic location: 5p15.2.
Variant type: single nucleotide variant.
Coding change: c.4553A>G on transcript NM_001369.3 (MANE Select); coding-DNA position 4553, A replaced by G.
Protein change: p.Asn1518Ser; replaces asparagine 1518 with serine.
Molecular consequence: missense variant.
Genome position (GRCh38, 1-based): chr5:13,864,440, T>C on the plus strand (A>G on the coding strand, the complement: DNAH5 is on the minus strand). VCF-style: chr5-13864440-T-C. GRCh37 (hg19) VCF-style: chr5-13864549-T-C.
Other names: c.4553A>G (NM_001369.2); short protein forms N1518S.
Identifiers: ClinVar variation 2982501 (VCV002982501.4), dbSNP rs1048946770, ClinGen allele CA113975004.
Genomic context (GRCh38, chr5:13,864,440, plus strand): 5'-ATCACATCATACTCTACCTCTATTTCCTCTTTATATTTCAGAAGAGGTGCCTCCATGATA[T>C]TTCTTAACTTAAAGCTTTCATTCCCCACATCCAGACTGTGCCCGGTGAGGGTGGTTATCC-3'
Protein context (NP_001360.1, residues 1508-1528): DVGNESFKLR[Asn1518Ser]IMEAPLLKYK

ClinVar aggregate classification (germline): Conflicting classifications of pathogenicity. Review status: criteria provided, conflicting classifications (1 of 4 stars). 2 submissions from 2 submitters: Uncertain significance (1); Likely benign (1). Last evaluated 2026-06-09.

Conditions:
Primary ciliary dyskinesia. Also called: Ciliary dyskinesia. Identifiers: Orphanet 244, MedGen C0008780, MONDO:0016575, HP:0012265.

Allele frequency attached by ClinVar (database versions not stated): TOPMed below 0.00001; gnomAD 0.00001.
gnomAD v4.1: 2 of 1,614,082 alleles (0.00012%); highest among the groups gnomAD compares: African/African-American, 0.0027%; no homozygotes.

Submissions (2):

Ambry Genetics
Classification: Uncertain significance for Primary ciliary dyskinesia. Last evaluated: 2026-06-09. Review status: criteria provided, single submitter. Criteria: Ambry Variant Classification Scheme 2023. Collection method: clinical testing. Allele origin: germline.
Comment: The p.N1518S variant (also known as c.4553A>G), located in coding exon 28 of the DNAH5 gene, results from an A to G substitution at nucleotide position 4553. The asparagine at codon 1518 is replaced by serine, an amino acid with highly similar properties. This amino acid position is conserved. In addition, this alteration is predicted to be tolerated by in silico analysis. Based on the available evidence, the clinical significance of this variant remains unclear.

Labcorp Genetics (formerly Invitae), Labcorp
Classification: Likely benign for Primary ciliary dyskinesia. Last evaluated: 2023-09-06. Review status: criteria provided, single submitter. Criteria: Invitae Variant Classification Sherloc (09022015). Collection method: clinical testing. Allele origin: germline.